The following is an entry in ClinVar:

NM_000213.5(ITGB4):c.310dup (p.Gln104fs)

Gene: ITGB4 (integrin subunit beta 4; plus strand). Cytogenetic location: 17q25.1.
Variant type: Duplication.
Coding change: c.310dup on transcript NM_000213.5 (MANE Select); coding-DNA position 310, one base duplicated (C; older notation c.310dupC).
Protein change: p.Gln104fs; shifts the reading frame from glutamine 104.
Molecular consequence: frameshift variant.
Genome position (GRCh38, 1-based): chr17:75,727,696, C duplicated; the last of 6 consecutive C bases (chr17:75,727,691-75,727,696); duplicating any one gives the same sequence. VCF-style (leftmost placement, unchanged base first): chr17-75727690-T-TC. GRCh37 (hg19) VCF-style: chr17-73723771-T-TC.
Other names: c.310dup, p.Gln104Profs (NM_001005619.2); c.310dup, p.Gln104fs (NM_001005731.3, NM_001321123.2); short protein forms Q104fs.
Identifiers: ClinVar variation 2843650 (VCV002843650.3), dbSNP rs1437647695, ClinGen allele CA627595788.
Genomic context (GRCh38, chr17:75,727,690, plus strand): 5'-GTCCCCTTCCACTGGCTGCAGGAGACCCAGATTGACACCACCCTGCGGCGCAGCCAGATG[T>TC]CCCCCCAAGGCCTGCGGGTCCGTCTGCGGCCCGGTGAGGAGCGGCATTTTGAGCTGGAGG-3'

ClinVar aggregate classification (germline): Pathogenic (1 of 4 stars; one submission).

Submission:

Labcorp Genetics (formerly Invitae), Labcorp
Classification: Pathogenic. Last evaluated: 2023-03-08. Review status: criteria provided, single submitter. Criteria: Invitae Variant Classification Sherloc (09022015). Collection method: clinical testing. Allele origin: germline.
Comment: For these reasons, this variant has been classified as Pathogenic. This variant has not been reported in the literature in individuals affected with ITGB4-related conditions. This variant is not present in population databases (gnomAD no frequency). This sequence change creates a premature translational stop signal (p.Gln104Profs*11) in the ITGB4 gene. It is expected to result in an absent or disrupted protein product. Loss-of-function variants in ITGB4 are known to be pathogenic (PMID: 11328943, 16473856).

Literature cited by the submitters: PubMed 11328943; PubMed 16473856.